The following is an entry in ClinVar:

ClinVar aggregate classification (germline): Likely pathogenic. Review status: criteria provided, single submitter (1 of 4 stars). 2 submissions from 2 submitters: Likely pathogenic (1). 1 of the submissions does not count toward it.

Conditions:
Triphalangeal thumb-polysyndactyly syndrome (TPTPS). Also called: TRIPHALANGEAL THUMB WITH POLYSYNDACTYLY; TPT-PS SYNDROME; Triphalangeal thumb with polysyndactyly syndrome. Identifiers: MedGen C5779878, MONDO:0017454, OMIM 190605.
Polydactyly of a triphalangeal thumb. Also called: POLYDACTYLY OF TRIPHALANGEAL THUMB; TRIPHALANGEAL THUMB-POLYDACTYLY SYNDROME; Polydactyly, preaxial type II. Identifiers: Orphanet 2439, Orphanet 2950, Orphanet 93336, MedGen C1868114, MONDO:0008270, OMIM 174500.

Submissions (2):

Juno Genomics, Hangzhou Juno Genomics, Inc
Classification: Likely pathogenic for Triphalangeal thumb-polysyndactyly syndrome. Review status: criteria provided, single submitter. Criteria: ACMG Guidelines, 2015. Collection method: clinical testing. Allele origin: germline. Affected: yes.
Comment: Absent from controls (or at extremely low frequency if recessive) in Genome Aggregation Database.;Located in a mutational hot spot and/or critical and well-established functional domain without benign variation.;The prevalence of the variant in affected individuals is significantly increased compared to the prevalence in controls.;Co-segregation with disease in multiple affected family members.;Patient's phenotype or family history is highly specific for a disease with a single genetic etiology.

OMIM
Classification: Pathogenic for POLYDACTYLY, PREAXIAL II. Last evaluated: 2003-07-15. Review status: no assertion criteria provided. Collection method: literature only. Allele origin: germline. Not counted in ClinVar's aggregate classification.

Literature cited by the submitters: PubMed 8012392 (cited by OMIM); PubMed 12837695 (cited by OMIM); PubMed 32169219 (cited by OMIM).

NM_022458.4(LMBR1):c.423+4618C>G

Genes: LMBR1 (limb development membrane protein 1; minus strand), ZRS (ZPA regulatory sequence; plus strand). Cytogenetic location: 7q36.3.
Variant type: single nucleotide variant.
Coding change: c.423+4618C>G on transcript NM_022458.4 (MANE Select); 4618 bases into the intron after coding-DNA position 423, C replaced by G.
Molecular consequence: intron variant.
Genome position (GRCh38, 1-based): chr7:156,791,771, G>C on the plus strand (C>G on the coding strand, the complement: LMBR1 is on the minus strand). VCF-style: chr7-156791771-G-C. GRCh37 (hg19) VCF-style: chr7-156584465-G-C.
Other names: 105C-G; c.144+4618C>G (NM_001350954.2); c.423+4618C>G (NM_001363410.2, NM_001363409.2, NM_001350953.2); c.-112+4618C>G (NM_001350958.2, NM_001350956.2, NM_001350955.2 and 1 more transcripts); c.54+4618C>G (NM_001350957.2, NM_001363411.2); c.360+4618C>G (NM_001363412.2).
Identifiers: ClinVar variation 4897 (VCV000004897.6), dbSNP rs606231146, ClinGen allele CA117131.